The following is an entry in ClinVar:

ClinVar aggregate classification (germline): Pathogenic/Likely pathogenic. Review status: criteria provided, multiple submitters, no conflicts (2 of 4 stars). 5 submissions from 5 submitters: Pathogenic (2); Likely pathogenic (3). Last evaluated 2026-09-17.

Conditions:
Cerebral cavernous malformation (CCM). Also called: CAVERNOUS ANGIOMA, FAMILIAL; CAVERNOUS ANGIOMATOUS MALFORMATIONS; CEREBRAL CAPILLARY MALFORMATIONS; Cavernous Hemangioma of Brain; Cerebral cavernous malformations; Cerebral cavernous hemangioma (type). Identifiers: Orphanet 221061, MedGen C2919945, MONDO:0000820, OMIM 116860, HP:0033522.

Allele frequency attached by ClinVar (database versions not stated): gnomAD exomes below 0.00001.

Submissions (5):

GeneDx
Classification: Pathogenic. Last evaluated: 2026-09-17. Review status: criteria provided, single submitter. Criteria: GeneDx Variant Classification Process June 2021. Collection method: clinical testing. Allele origin: germline.
Comment: Not observed at significant frequency in large population cohorts (gnomAD); Initiation codon variant in a gene for which loss of function is a known mechanism of disease; This variant is associated with the following publications: (PMID: 34556564)

Labcorp Genetics (formerly Invitae), Labcorp
Classification: Pathogenic for Cerebral cavernous malformation. Last evaluated: 2026-01-19. Review status: criteria provided, single submitter. Criteria: Invitae Variant Classification Sherloc (09022015). Collection method: clinical testing. Allele origin: germline.
Comment: This sequence change affects the initiator codon of the KRIT1 mRNA. This change may impact translation initiation or efficiency. The next in-frame methionine is located at codon 94. This variant is not present in population databases (gnomAD no frequency). Disruption of the initiator codon has been observed in individual(s) with cerebral cavernous malformations (PMID: 34556564; internal data). It has also been observed to segregate with disease in related individuals. ClinVar contains an entry for this variant (Variation ID: 468215). Algorithms developed to predict the effect of sequence changes on RNA splicing suggest that this variant may create or strengthen a splice site. For these reasons, this variant has been classified as Pathogenic.

Mayo Clinic Laboratories, Mayo Clinic
Classification: Likely pathogenic. Last evaluated: 2025-08-01. Review status: criteria provided, single submitter. Criteria: ACMG Guidelines, 2015. Collection method: clinical testing. Allele origin: germline. Observed: 1 variant allele.
Comment: PP3, PM2_supporting, PS4_moderate, PVS1_moderate

Athena Diagnostics
Classification: Likely pathogenic. Last evaluated: 2025-03-31. Review status: criteria provided, single submitter. Criteria: Athena Diagnostics Criteria. Collection method: clinical testing. Allele origin: unknown.
Comment: This variant has not been reported in large, multi-ethnic general populations. This variant is likely to interfere with initiation of protein synthesis. This variant has been identified in at least one individual with clinical features associated with this gene.

PreventionGenetics, part of Exact Sciences
Classification: Likely pathogenic. Last evaluated: 2017-02-15. Review status: criteria provided, single submitter. Criteria: ACMG Guidelines, 2015. Collection method: clinical testing. Allele origin: germline.

Literature cited by the submitters: PubMed 34556564 (cited by 3 submitters).

NM_194454.3(KRIT1):c.1A>G (p.Met1Val)

Gene: KRIT1 (KRIT1 ankyrin repeat containing; minus strand). Cytogenetic location: 7q21.2.
Variant type: single nucleotide variant.
Coding change: c.1A>G on transcript NM_194454.3 (MANE Select); coding-DNA position 1, A replaced by G.
Protein change: p.Met1Val; changes the start codon (methionine 1).
Molecular consequence: missense variant, initiator codon variant. On other transcripts: 5 prime UTR variant (1).
Genome position (GRCh38, 1-based): chr7:92,242,135, T>C on the plus strand (A>G on the coding strand, the complement: KRIT1 is on the minus strand). VCF-style: chr7-92242135-T-C. GRCh37 (hg19) VCF-style: chr7-91871449-T-C.
Other names: p.Met1?; c.1A>G, p.Met1Val (NM_001013406.2, NM_001350669.1, NM_001350670.1 and 29 more transcripts); c.-583A>G (NM_001350671.1); short protein forms M1V.
Identifiers: ClinVar variation 468215 (VCV000468215.15), dbSNP rs1554539120, ClinGen allele CA368167328.